The following is an entry in ClinVar:

ClinVar aggregate classification (germline): Uncertain significance (1 of 4 stars; one submission).

Submission:

Labcorp Genetics (formerly Invitae), Labcorp
Classification: Uncertain significance. Last evaluated: 2025-02-27. Review status: criteria provided, single submitter. Criteria: Invitae Variant Classification Sherloc (09022015). Collection method: clinical testing. Allele origin: germline.
Comment: This sequence change falls in intron 15 of the COL2A1 gene. It does not directly change the encoded amino acid sequence of the COL2A1 protein. It affects a nucleotide within the consensus splice site. This variant is not present in population databases (gnomAD no frequency). This variant has not been reported in the literature in individuals affected with COL2A1-related conditions. Variants that disrupt the consensus splice site are a relatively common cause of aberrant splicing (PMID: 17576681, 9536098). Algorithms developed to predict the effect of sequence changes on RNA splicing suggest that this variant is not likely to affect RNA splicing. In summary, the available evidence is currently insufficient to determine the role of this variant in disease. Therefore, it has been classified as a Variant of Uncertain Significance.

Literature cited by the submitters: PubMed 17576681; PubMed 9536098.

NM_001844.5(COL2A1):c.969+3A>G

Gene: COL2A1 (collagen type II alpha 1 chain; minus strand). Cytogenetic location: 12q13.11.
Variant type: single nucleotide variant.
Coding change: c.969+3A>G on transcript NM_001844.5 (MANE Select); 3 bases into the intron after coding-DNA position 969, A replaced by G.
Molecular consequence: intron variant.
Genome position (GRCh38, 1-based): chr12:47,993,455, T>C on the plus strand (A>G on the coding strand, the complement: COL2A1 is on the minus strand). VCF-style: chr12-47993455-T-C. GRCh37 (hg19) VCF-style: chr12-48387238-T-C.
Other names: c.762+3A>G (NM_033150.3).
Identifiers: ClinVar variation 4810337 (VCV004810337.1).